The following is an entry in ClinVar:

NM_001042492.3(NF1):c.5524C>A (p.His1842Asn)

Gene: NF1 (neurofibromin 1; plus strand). Cytogenetic location: 17q11.2.
Variant type: single nucleotide variant.
Coding change: c.5524C>A on transcript NM_001042492.3 (MANE Select); coding-DNA position 5524, C replaced by A.
Protein change: p.His1842Asn; replaces histidine 1842 with asparagine.
Molecular consequence: missense variant.
Genome position (GRCh38, 1-based): chr17:31,327,754, C>A. VCF-style: chr17-31327754-C-A. GRCh37 (hg19) VCF-style: chr17-29654772-C-A.
Other names: c.5461C>A, p.His1821Asn (NM_000267.4); short protein forms H1821N, H1842N.
Identifiers: ClinVar variation 2775456 (VCV002775456.4), dbSNP rs1597832336, ClinGen allele CA399009744.
Genomic context (GRCh38, chr17:31,327,754, plus strand): 5'-CAGTCTATCATTCATATCCGGACCCGCTGGGAACTGTCACAGCCCGACTCTATCCCCCAA[C>A]ACACCAAGATTCGGCCAAAAGATGTCCCTGGGACACTGCTCAATATCGCATTACTTAATT-3'
Protein context (NP_001035957.1, residues 1832-1852): ELSQPDSIPQ[His1842Asn]TKIRPKDVPG

ClinVar aggregate classification (germline): Uncertain significance. Review status: criteria provided, multiple submitters, no conflicts (2 of 4 stars). 2 submissions from 2 submitters: Uncertain significance (2). Last evaluated 2024-02-19.

Conditions:
Neurofibromatosis, type 1 (NF1). Also called: VON RECKLINGHAUSEN DISEASE; Peripheral type neurofibromatosis; Neurofibromatosis, type I; NEUROFIBROMATOSIS, TYPE I, SOMATIC. Identifiers: Orphanet 636, MedGen C0027831, MONDO:0018975, OMIM 162200. Disease mechanism: loss of function.
Juvenile myelomonocytic leukemia (JMML). Also called: LEUKEMIA, JUVENILE MYELOMONOCYTIC, SOMATIC. Identifiers: Orphanet 86834, MedGen C0349639, MONDO:0011908, OMIM 607785, HP:0012209.

Submissions (2):

Baylor Genetics
Classification: Uncertain significance for Juvenile myelomonocytic leukemia. Last evaluated: 2024-02-19. Review status: criteria provided, single submitter. Criteria: ACMG Guidelines, 2015. Collection method: clinical testing. Allele origin: unknown.

Labcorp Genetics (formerly Invitae), Labcorp
Classification: Uncertain significance for Neurofibromatosis, type 1. Last evaluated: 2023-07-18. Review status: criteria provided, single submitter. Criteria: Invitae Variant Classification Sherloc (09022015). Collection method: clinical testing. Allele origin: germline.
Comment: In summary, the available evidence is currently insufficient to determine the role of this variant in disease. Therefore, it has been classified as a Variant of Uncertain Significance. Advanced modeling of protein sequence and biophysical properties (such as structural, functional, and spatial information, amino acid conservation, physicochemical variation, residue mobility, and thermodynamic stability) performed at Invitae indicates that this missense variant is expected to disrupt NF1 protein function. This variant has not been reported in the literature in individuals affected with NF1-related conditions. This variant is not present in population databases (gnomAD no frequency). This sequence change replaces histidine, which is basic and polar, with asparagine, which is neutral and polar, at codon 1821 of the NF1 protein (p.His1821Asn).